The following is an entry in ClinVar:

ClinVar aggregate classification (germline): Conflicting classifications of pathogenicity. Review status: criteria provided, conflicting classifications (1 of 4 stars). 3 submissions from 3 submitters: Uncertain significance (2); Likely benign (1). Last evaluated 2025-02-24.

Conditions:
Inborn genetic diseases. Identifiers: MedGen C0950123, MeSH D030342.

gnomAD v4.1: 113 of 1,568,760 alleles (0.0072%); highest among the groups gnomAD compares: East Asian, 0.23%; 1 homozygote.

Submissions (3):

Labcorp Genetics (formerly Invitae), Labcorp
Classification: Uncertain significance. Last evaluated: 2025-02-24. Review status: criteria provided, single submitter. Criteria: Invitae Variant Classification Sherloc (09022015). Collection method: clinical testing. Allele origin: germline.
Comment: This sequence change replaces glycine, which is neutral and non-polar, with alanine, which is neutral and non-polar, at codon 255 of the TRAF3IP1 protein (p.Gly255Ala). This variant is present in population databases (rs779874921, gnomAD 0.03%). This variant has not been reported in the literature in individuals affected with TRAF3IP1-related conditions. ClinVar contains an entry for this variant (Variation ID: 1898832). Invitae Evidence Modeling of protein sequence and biophysical properties (such as structural, functional, and spatial information, amino acid conservation, physicochemical variation, residue mobility, and thermodynamic stability) indicates that this missense variant is not expected to disrupt TRAF3IP1 protein function with a negative predictive value of 80%. In summary, the available evidence is currently insufficient to determine the role of this variant in disease. Therefore, it has been classified as a Variant of Uncertain Significance.

Ambry Genetics
Classification: Uncertain significance for Inborn genetic diseases. Last evaluated: 2023-12-27. Review status: criteria provided, single submitter. Criteria: Ambry Variant Classification Scheme 2023. Collection method: clinical testing. Allele origin: germline.

Blueprint Genetics
Classification: Likely benign. Last evaluated: 2023-07-10. Review status: criteria provided, single submitter. Criteria: ACMG Guidelines, 2015. Collection method: clinical testing. Allele origin: germline.

NM_015650.4(IFT54):c.764G>C (p.Gly255Ala)

Gene: IFT54 (intraflagellar transport 54; plus strand). Cytogenetic location: 2q37.3.
Variant type: single nucleotide variant.
Coding change: c.764G>C on transcript NM_015650.4 (MANE Select); coding-DNA position 764, G replaced by C.
Protein change: p.Gly255Ala; replaces glycine 255 with alanine.
Molecular consequence: missense variant.
Genome position (GRCh38, 1-based): chr2:238,329,191, G>C. VCF-style: chr2-238329191-G-C. GRCh37 (hg19) VCF-style: chr2-239237832-G-C.
Other names: c.764G>C, p.Gly255Ala (NM_001139490.1); c.764G>C (NM_015650.3); short protein forms G255A.
Identifiers: ClinVar variation 1898832 (VCV001898832.6), dbSNP rs779874921, ClinGen allele CA2198136.
Genomic context (GRCh38, chr2:238,329,191, plus strand): 5'-GCAACAGGGAGCGGGACAGAGACTCCGAGCGCAAGAAGGAGACAGAGAGAAAGAGTGAGG[G>C]GGGGAAAGAGAAGGAGAGACTGAGAGACAGGGACCGAGAGCGCGACCGGGACAAAGGGAA-3'
Protein context (NP_056465.2, residues 245-265): RKKETERKSE[Gly255Ala]GKEKERLRDR